The following is an entry in ClinVar:

ClinVar aggregate classification (germline): Pathogenic/Likely pathogenic. Review status: criteria provided, multiple submitters, no conflicts (2 of 4 stars). 3 submissions from 3 submitters: Pathogenic (1); Likely pathogenic (2). Last evaluated 2024-06-17.

Conditions:
Alport syndrome. Also called: Hemorrhagic familial nephritis; Hemorrhagic hereditary nephritis; Congenital hereditary hematuria. Identifiers: Orphanet 63, MedGen C1567741, MONDO:0018965.
Autosomal recessive Alport syndrome (ATS2). Also called: COL4A3-Related Nephropathy; COL4A4 Alport Syndrome and Thin Basement Membrane Nephropathy; ALPORT SYNDROME 2, AUTOSOMAL RECESSIVE; Alport syndrome type 2. Identifiers: Orphanet 63, Orphanet 88919, MedGen C4746745, MONDO:0008762, OMIM 203780.

Submissions (3):

Natera, Inc.
Classification: Likely pathogenic for Alport syndrome. Last evaluated: 2024-06-17. Review status: criteria provided, single submitter. Criteria: Natera Variant Classification Schema (03/2026). Collection method: clinical testing. Allele origin: germline.
Comment: The c.3000_3004del variant in COL4A4 is a frameshift variant predicted to shift the reading frame beginning at codon 1002 and leads to a stop codon 16 codons downstream. This variant is expected to result in nonsense mediated decay, truncation, or a dysfunctional protein product. This variant is rare in the general population with a frequency below the threshold expected for the associated phenotype(s). Given the available evidence, this variant is classified as Likely Pathogenic.

3billion
Classification: Pathogenic for Autosomal recessive Alport syndrome. Last evaluated: 2024-03-05. Review status: criteria provided, single submitter. Criteria: ACMG Guidelines, 2015. Collection method: clinical testing. Allele origin: germline. Affected: yes.
Comment: The variant is not observed in the gnomAD v2.1.1 dataset. Predicted Consequence/Location: Frameshift: predicted to result in a loss or disruption of normal protein function through nonsense-mediated decay (NMD) or protein truncation. Multiple pathogenic variants are reported downstream of the variant. The variant has been reported to be associated with COL4A4 related disorder (ClinVar ID: VCV001725215). Therefore, this variant is classified as Pathogenic according to the recommendation of ACMG/AMP guideline.

Myriad Genetics, Inc.
Classification: Likely pathogenic for Autosomal recessive Alport syndrome. Last evaluated: 2021-12-02. Review status: criteria provided, single submitter. Criteria: Myriad Women's Health Autosomal Recessive and X-Linked Classification Criteria (2021). Collection method: clinical testing. Allele origin: unknown.
Comment: NM_000092.4(COL4A4):c.3000_3004del5(G1002Afs*16) is expected to be pathogenic in the context of COL4A4-related Alport syndrome. This variant is predicted to lead to an abnormal or absent protein product due to the creation of a premature termination codon in COL4A4, a gene where loss-of-function variants are known to be pathogenic. Please note: this variant was assessed in the context of healthy population screening.

NM_000092.5(COL4A4):c.3000_3004del (p.Gly1002fs)

Gene: COL4A4 (collagen type IV alpha 4 chain; minus strand). Cytogenetic location: 2q36.3.
Variant type: Deletion.
Coding change: c.3000_3004del on transcript NM_000092.5 (MANE Select); coding-DNA positions 3000 to 3004, 5 bases deleted (AAGAG; older notation c.3000_3004delAAGAG).
Protein change: p.Gly1002fs; shifts the reading frame from glycine 1002.
Molecular consequence: frameshift variant.
Genome position (GRCh38, 1-based): chr2:227,051,123-227,051,127, CTCTT deleted on the plus strand (AAGAG on the coding strand, the reverse complement: COL4A4 is on the minus strand); deleting any 5 consecutive bases within chr2:227,051,123-227,051,130 gives the same sequence; the c. name uses the placement nearest the transcript's 3' end. VCF-style (leftmost placement, unchanged base first): chr2-227051122-CCTCTT-C. GRCh37 (hg19) VCF-style: chr2-227915838-CCTCTT-C.
Other names: c.3000_3004del (NM_000092.4); short protein forms G1002fs.
Identifiers: ClinVar variation 1725215 (VCV001725215.4), dbSNP rs2473974445, ClinGen allele CA2580065838.
Genomic context (GRCh38, chr2:227,051,122, plus strand): 5'-TGACCTTTCTCACCAGGTTCCCCTCTGTGAAATCCAGGTGGTCCGTATCTTCCCGGCTCT[CCTCTT>C]CTCCCTTGCATCCCGGGAGTTCCTTTATCACCTGATGAAGTTGGAAGTGTTACAGGTCTC-3'